The following is an entry in ClinVar:

NM_005585.5(SMAD6):c.1194del (p.Asp398fs)

Gene: SMAD6 (SMAD family member 6; plus strand). Cytogenetic location: 15q22.31.
Variant type: Deletion.
Coding change: c.1194del on transcript NM_005585.5 (MANE Select); coding-DNA position 1194, one base deleted (C; older notation c.1194delC).
Protein change: p.Asp398fs; shifts the reading frame from aspartic acid 398.
Molecular consequence: frameshift variant. On other transcripts: non-coding transcript variant (1).
Genome position (GRCh38, 1-based): chr15:66,781,238, C deleted. VCF-style (leftmost placement, unchanged base first): chr15-66781237-AC-A. GRCh37 (hg19) VCF-style: chr15-67073575-AC-A.
Other names: short protein forms D398fs.
Identifiers: ClinVar variation 4774379 (VCV004774379.1).

ClinVar aggregate classification (germline): Uncertain significance (1 of 4 stars; one submission).

Conditions:
Aortic valve disease 2 (AOVD2). Identifiers: MedGen C3542024, MONDO:0013902, OMIM 614823.

Submission:

Labcorp Genetics (formerly Invitae), Labcorp
Classification: Uncertain significance for Aortic valve disease 2. Last evaluated: 2025-05-25. Review status: criteria provided, single submitter. Criteria: Invitae Variant Classification Sherloc (09022015). Collection method: clinical testing. Allele origin: germline.
Comment: This sequence change is expected to alter the c-terminus of the SMAD6 protein (p.Asp398Glufs*141). While this is not anticipated to result in nonsense mediated decay, it is expected to disrupt the last 99 amino acid(s) of the SMAD6 protein and extend the protein by 41 additional amino acid residues. This variant is not present in population databases (gnomAD no frequency). This variant has not been reported in the literature in individuals affected with SMAD6-related conditions. Experimental studies and prediction algorithms are not available or were not evaluated, and the functional significance of this variant is currently unknown. In summary, the available evidence is currently insufficient to determine the role of this variant in disease. Therefore, it has been classified as a Variant of Uncertain Significance.